The following is an entry in ClinVar:

ClinVar aggregate classification (germline): Benign/Likely benign. Review status: criteria provided, multiple submitters, no conflicts (2 of 4 stars). 4 submissions from 4 submitters: Benign (1); Likely benign (3). Last evaluated 2026-05-14.

Conditions:
Hereditary cancer-predisposing syndrome. Also called: Hereditary Cancer Syndrome; Neoplastic Syndromes, Hereditary; Hereditary neoplastic syndrome; Tumor predisposition. Identifiers: Orphanet 140162, MedGen C0027672, MeSH D009386, MONDO:0015356.
Cardiovascular phenotype. Identifiers: MedGen CN230736.
Neurofibromatosis, type 1 (NF1). Also called: VON RECKLINGHAUSEN DISEASE; NEUROFIBROMATOSIS, TYPE I, SOMATIC; Neurofibromatosis, type I; Peripheral type neurofibromatosis. Identifiers: Orphanet 636, MedGen C0027831, MONDO:0018975, OMIM 162200. Disease mechanism: loss of function.

Allele frequency attached by ClinVar (database versions not stated): gnomAD exomes below 0.00001; TOPMed below 0.00001.
gnomAD v4.1: 1 of 1,613,132 alleles (0.000062%); highest among the groups gnomAD compares: Non-Finnish European, 0.000085%; no homozygotes.

Submissions (4):

Myriad Genetics, Inc.
Classification: Benign for Neurofibromatosis, type 1. Last evaluated: 2026-05-14. Review status: criteria provided, single submitter. Criteria: Myriad Autosomal Dominant, Autosomal Recessive and X-Linked Classification Criteria (2023). Collection method: clinical testing. Allele origin: unknown.
Comment: This variant is considered benign. This variant is a silent/synonymous amino acid change and it is not expected to impact splicing.

Labcorp Genetics (formerly Invitae), Labcorp
Classification: Likely benign for Neurofibromatosis, type 1. Last evaluated: 2025-05-27. Review status: criteria provided, single submitter. Criteria: Invitae Variant Classification Sherloc (09022015). Collection method: clinical testing. Allele origin: germline.

Genome-Nilou Lab
Classification: Likely benign for Neurofibromatosis, type 1. Last evaluated: 2022-03-15. Review status: criteria provided, single submitter. Criteria: ACMG Guidelines, 2015. Collection method: clinical testing. Allele origin: germline. Affected: no.

Ambry Genetics
Classification: Likely benign for Cardiovascular phenotype; Hereditary cancer-predisposing syndrome. Last evaluated: 2018-11-09. Review status: criteria provided, single submitter. Criteria: Ambry Variant Classification Scheme 2023. Collection method: clinical testing. Allele origin: germline.

NM_001042492.3(NF1):c.127C>T (p.Leu43=)

Gene: NF1 (neurofibromin 1; plus strand). Cytogenetic location: 17q11.2.
Variant type: single nucleotide variant.
Coding change: c.127C>T on transcript NM_001042492.3 (MANE Select); coding-DNA position 127, C replaced by T.
Protein change: p.Leu43=; no amino-acid change (leucine 43 retained).
Molecular consequence: synonymous variant.
Genome position (GRCh38, 1-based): chr17:31,156,049, C>T. VCF-style: chr17-31156049-C-T. GRCh37 (hg19) VCF-style: chr17-29483067-C-T.
Other names: c.127C>T, p.Leu43= (NM_000267.4, NM_001128147.3).
Identifiers: ClinVar variation 413016 (VCV000413016.16), dbSNP rs1060503913, ClinGen allele CA16615135.
Genomic context (GRCh38, chr17:31,156,049, plus strand): 5'-ATAAAAACAGGACAGCAGAACACACATACCAAAGTCAGTACTGAGCACAACAAGGAATGT[C>T]TAATCAATATTTCCAAATACAAGTTTTCTTTGGTTATAAGCGGCCTCACTACTATTTTAA-3'
Protein context (NP_001035957.1, residues 33-53): KVSTEHNKEC[Leu43=]INISKYKFSL